The following is an entry in ClinVar:

NM_058216.3(RAD51C):c.1008del (p.Val337fs)

Gene: RAD51C (RAD51 paralog C; plus strand). Cytogenetic location: 17q22.
Variant type: Deletion.
Coding change: c.1008del on transcript NM_058216.3 (MANE Select); coding-DNA position 1008, one base deleted (A; older notation c.1008delA).
Protein change: p.Val337fs; shifts the reading frame from valine 337.
Molecular consequence: frameshift variant. On other transcripts: non-coding transcript variant (1).
Genome position (GRCh38, 1-based): chr17:58,732,526, A deleted. VCF-style (leftmost placement, unchanged base first): chr17-58732525-CA-C. GRCh37 (hg19) VCF-style: chr17-56809886-CA-C.
Other names: short protein forms V337fs.
Identifiers: ClinVar variation 4841434 (VCV004841434.1).
Genomic context (GRCh38, chr17:58,732,525, plus strand): 5'-ATTCTTTTTCTTTAAGCAGGTTGGCAACATTGTACAAGTCACCCAGCCAGAAGGAATGCA[CA>C]GTACTGTTTCAAATCAAAGTCAGTATTATTTGATTAGAGTGGGATTTTGATATTGATGGG-3'

ClinVar aggregate classification (germline): Likely pathogenic (1 of 4 stars; one submission).

Conditions:
Hereditary cancer-predisposing syndrome. Also called: Neoplastic Syndromes, Hereditary; Tumor predisposition; Hereditary Cancer Syndrome; Hereditary neoplastic syndrome. Identifiers: Orphanet 140162, MedGen C0027672, MeSH D009386, MONDO:0015356.

Submission:

Ambry Genetics
Classification: Likely pathogenic for Hereditary cancer-predisposing syndrome. Last evaluated: 2025-12-23. Review status: criteria provided, single submitter. Criteria: Ambry Variant Classification Scheme 2023. Collection method: clinical testing. Allele origin: germline.
Comment: The c.1008delA variant, located in coding exon 8 of the RAD51C gene, results from a deletion of one nucleotide at nucleotide position 1008, causing a translational frameshift with a predicted alternate stop codon (p.V337Yfs*27). This alteration occurs at the 3' terminus of the gene, is not expected to trigger nonsense-mediated mRNA decay, and impacts the last 11% of the protein. However, premature stop codons are typically deleterious in nature and a critical region of the protein is affected (Ambry internal data). This variant is considered to be rare based on population cohorts in the Genome Aggregation Database (gnomAD). Based on the majority of available evidence to date, this variant is likely to be pathogenic.